The following is an entry in ClinVar:

NM_001171.6(ABCC6):c.4241G>A (p.Arg1414His)

Gene: ABCC6 (ATP binding cassette subfamily C member 6; minus strand). Cytogenetic location: 16p13.11.
Variant type: single nucleotide variant.
Coding change: c.4241G>A on transcript NM_001171.6 (MANE Select); coding-DNA position 4241, G replaced by A.
Protein change: p.Arg1414His; replaces arginine 1414 with histidine.
Molecular consequence: missense variant. On other transcripts: non-coding transcript variant (1).
Genome position (GRCh38, 1-based): chr16:16,150,740, C>T on the plus strand (G>A on the coding strand, the complement: ABCC6 is on the minus strand). VCF-style: chr16-16150740-C-T. GRCh37 (hg19) VCF-style: chr16-16244597-C-T.
Other names: c.3899G>A, p.Arg1300His (NM_001351800.1); short protein forms R1414H, R1300H.
Identifiers: ClinVar variation 433446 (VCV000433446.7), dbSNP rs775319351, ClinGen allele CA278675370.

ClinVar aggregate classification (germline): Uncertain significance. Review status: criteria provided, multiple submitters, no conflicts (2 of 4 stars). 4 submissions from 4 submitters: Uncertain significance (2). 2 of the submissions do not count toward it. Last evaluated 2024-12-19.

Conditions:
Retinal dystrophy. Also called: Inherited retinal dystrophy. Identifiers: Orphanet 71862, MedGen C0854723, MeSH D058499, MONDO:0019118, HP:0000556.
Autosomal recessive inherited pseudoxanthoma elasticum (PXE). Identifiers: Orphanet 758, MedGen CN032334, MONDO:0009925, OMIM 264800.

Allele frequency attached by ClinVar (database versions not stated): gnomAD 0.00002; TOPMed 0.00002.
gnomAD v4.1: 19 of 1,613,760 alleles (0.0012%); highest among the groups gnomAD compares: Middle Eastern, 0.049%; no homozygotes.

Submissions (4):

Genomic Medicine Center of Excellence, King Faisal Specialist Hospital and Research Centre
Classification: Uncertain significance for Autosomal recessive inherited pseudoxanthoma elasticum. Last evaluated: 2024-12-19. Review status: criteria provided, single submitter. Criteria: ACMG Guidelines, 2015. Collection method: clinical testing. Allele origin: germline.

Labcorp Genetics (formerly Invitae), Labcorp
Classification: Uncertain significance. Last evaluated: 2022-06-14. Review status: criteria provided, single submitter. Criteria: Invitae Variant Classification Sherloc (09022015). Collection method: clinical testing. Allele origin: germline.
Comment: This sequence change replaces arginine, which is basic and polar, with histidine, which is basic and polar, at codon 1414 of the ABCC6 protein (p.Arg1414His). The frequency data for this variant in the population databases is considered unreliable, as metrics indicate poor data quality at this position in the gnomAD database. This variant has not been reported in the literature in individuals affected with ABCC6-related conditions. ClinVar contains an entry for this variant (Variation ID: 433446). Advanced modeling of protein sequence and biophysical properties (such as structural, functional, and spatial information, amino acid conservation, physicochemical variation, residue mobility, and thermodynamic stability) performed at Invitae indicates that this missense variant is expected to disrupt ABCC6 protein function. In summary, the available evidence is currently insufficient to determine the role of this variant in disease. Therefore, it has been classified as a Variant of Uncertain Significance.

Institute of Human Genetics, Univ. Regensburg, Univ. Regensburg
Classification: Uncertain significance for Retinal dystrophy. Last evaluated: 2023-01-01. Review status: no assertion criteria provided. Criteria: ACMG Guidelines, 2015. Collection method: clinical testing. Allele origin: germline. Affected: yes. Not counted in ClinVar's aggregate classification.

PXE International
Classification: Uncertain significance for Autosomal recessive inherited pseudoxanthoma elasticum. Last evaluated: 2021-02-16. Review status: no assertion criteria provided. Collection method: research. Allele origin: germline. Inheritance: Autosomal recessive inheritance. Affected: yes. Observed: 1 variant allele. Not counted in ClinVar's aggregate classification.

Literature cited by the submitters: PubMed 32873932 (cited by PXE International).